The following is an entry in ClinVar:

ClinVar aggregate classification (germline): Likely benign. Review status: criteria provided, multiple submitters, no conflicts (2 of 4 stars). 2 submissions from 2 submitters: Likely benign (2). Last evaluated 2022-08-02.

Conditions:
Premature ovarian failure 6 (POF6). Identifiers: MedGen C2676742, MONDO:0012861, OMIM 612310.
Inborn genetic diseases. Identifiers: MedGen C0950123, MeSH D030342.

Allele frequency attached by ClinVar (database versions not stated): ESP Exome Variant Server 0.00016; ExAC 0.00022; gnomAD exomes 0.00028 and 0.00046; gnomAD 0.00030 and 0.00031; TOPMed 0.00033.
gnomAD v4.1: 719 of 1,613,846 alleles (0.045%); highest among the groups gnomAD compares: Non-Finnish European, 0.053%; 2 homozygotes.

Submissions (2):

Ambry Genetics
Classification: Likely benign for Inborn genetic diseases. Last evaluated: 2022-08-02. Review status: criteria provided, single submitter. Criteria: Ambry Variant Classification Scheme 2023. Collection method: clinical testing. Allele origin: germline.

Illumina Laboratory Services, Illumina
Classification: Likely benign for Premature ovarian failure 6. Last evaluated: 2018-01-12. Review status: criteria provided, single submitter. Criteria: ICSL Variant Classification Criteria 13 December 2019. Collection method: clinical testing. Allele origin: germline.
Comment: This variant was observed in the ICSL laboratory as part of a predisposition screen in an ostensibly healthy population. It had not been previously curated by ICSL or reported in the Human Gene Mutation Database (HGMD: prior to June 1st, 2018), and was therefore a candidate for classification through an automated scoring system. Utilizing variant allele frequency, disease prevalence and penetrance estimates, and inheritance mode, an automated score was calculated to assess if this variant is too frequent to cause the disease. Based on the score and internal cut-off values, a variant classified as likely benign is not then subjected to further curation. The score for this variant resulted in a classification of likely benign for this disease.

NM_001004311.3(FIGLA):c.443C>T (p.Ser148Leu)

Gene: FIGLA (folliculogenesis specific bHLH transcription factor; minus strand). Cytogenetic location: 2p13.3.
Variant type: single nucleotide variant.
Coding change: c.443C>T on transcript NM_001004311.3 (MANE Select); coding-DNA position 443, C replaced by T.
Protein change: p.Ser148Leu; replaces serine 148 with leucine.
Molecular consequence: missense variant.
Genome position (GRCh38, 1-based): chr2:70,785,581, G>A on the plus strand (C>T on the coding strand, the complement: FIGLA is on the minus strand). VCF-style: chr2-70785581-G-A. GRCh37 (hg19) VCF-style: chr2-71012713-G-A.
Other names: short protein forms S148L.
Identifiers: ClinVar variation 336908 (VCV000336908.6), dbSNP rs200500974, ClinGen allele CA1699646.